The following is an entry in ClinVar:

NM_001370466.1(NOD2):c.-8-2619C>A

Gene: NOD2 (nucleotide binding oligomerization domain containing 2; plus strand). Cytogenetic location: 16q12.1.
Variant type: single nucleotide variant.
Coding change: c.-8-2619C>A on transcript NM_001370466.1 (MANE Select); 2619 bases into the intron before 8 bases upstream of the start codon, C replaced by A.
Molecular consequence: intron variant.
Genome position (GRCh38, 1-based): chr16:50,696,869, C>A. VCF-style: chr16-50696869-C-A. GRCh37 (hg19) VCF-style: chr16-50730780-C-A.
Identifiers: ClinVar variation 102970 (VCV000102970.2), dbSNP rs199475907, ClinGen allele CA229936.
Genomic context (GRCh38, chr16:50,696,869, plus strand): 5'-GACAGAGCTCCGAGTCACGTGGCTTGGGCGGGCCTCCCCTTCCTGGTGTCCACAGAAGCC[C>A]AACGTCACTAGCTGGGGTGTGTATGGCTCACACGTAGGCCAGGCTGCCCTAGGCTTGGTG-3'

ClinVar aggregate classification (germline): not provided (0 of 4 stars; one submission).

Allele frequency attached by ClinVar (database versions not stated): gnomAD 0.00001.
gnomAD v4.1: 1 of 152,328 alleles (0.00066%); highest among the groups gnomAD compares: Non-Finnish European, 0.0015%; no homozygotes.

Submission:

Human Evolutionary Genetics, Institut Pasteur
No classification provided. Review status: no classification provided. Collection method: not provided. Allele origin: germline.
ClinVar note: Converted during submission from untested to not provided.